The following is an entry in ClinVar:

ClinVar aggregate classification (germline): Likely benign. Review status: criteria provided, multiple submitters, no conflicts (2 of 4 stars). 4 submissions from 4 submitters: Likely benign (4). Last evaluated 2025-11-05.

Conditions:
Hereditary cancer-predisposing syndrome. Also called: Neoplastic Syndromes, Hereditary; Hereditary Cancer Syndrome; Tumor predisposition; Hereditary neoplastic syndrome. Identifiers: Orphanet 140162, MedGen C0027672, MeSH D009386, MONDO:0015356.
Familial cancer of breast. Also called: Hereditary breast cancer; BREAST CANCER, FAMILIAL; hereditary breast carcinoma. Identifiers: Orphanet 227535, MedGen C0346153, MONDO:0016419, OMIM 114480. Disease mechanism: loss of function.
Ataxia-telangiectasia syndrome (AT). Also called: LOUIS-BAR SYNDROME; Cerebello-oculocutaneous telangiectasia; Immunodeficiency with ataxia telangiectasia; Ataxia-telangiectasia, complementation group D; AT, COMPLEMENTATION GROUP C; Ataxia-telangiectasia, complementation group E. Identifiers: Orphanet 100, MedGen C0004135, MONDO:0008840, OMIM 208900.

Allele frequency attached by ClinVar (database versions not stated): gnomAD exomes below 0.00001.
gnomAD v4.1: 1 of 1,610,500 alleles (0.000062%); highest among the groups gnomAD compares: Non-Finnish European, 0.000085%; no homozygotes.

Submissions (4):

Labcorp Genetics (formerly Invitae), Labcorp
Classification: Likely benign for Ataxia-telangiectasia syndrome. Last evaluated: 2025-11-05. Review status: criteria provided, single submitter. Criteria: Invitae Variant Classification Sherloc (09022015). Collection method: clinical testing. Allele origin: germline.

Myriad Genetics, Inc.
Classification: Likely benign for Familial cancer of breast. Last evaluated: 2024-05-24. Review status: criteria provided, single submitter. Criteria: Myriad Autosomal Dominant, Autosomal Recessive and X-Linked Classification Criteria (2023). Collection method: clinical testing. Allele origin: unknown.
Comment: This variant is considered likely benign. This variant is intronic and is not expected to impact mRNA splicing.

Color Diagnostics, LLC DBA Color Health
Classification: Likely benign for Hereditary cancer-predisposing syndrome. Last evaluated: 2021-03-17. Review status: criteria provided, single submitter. Criteria: ACMG Guidelines, 2015. Collection method: clinical testing. Allele origin: germline.

GeneDx
Classification: Likely benign. Last evaluated: 2016-05-26. Review status: criteria provided, single submitter. Criteria: GeneDx Variant Classification (06012015). Collection method: clinical testing. Allele origin: germline. Affected: yes.
Comment: This variant is considered likely benign or benign based on one or more of the following criteria: it is a conservative change, it occurs at a poorly conserved position in the protein, it is predicted to be benign by multiple in silico algorithms, and/or has population frequency not consistent with disease.

NM_000051.4(ATM):c.5763-13C>T

Genes: ATM (ATM serine/threonine kinase; plus strand), C11orf65 (chromosome 11 open reading frame 65; minus strand). Cytogenetic location: 11q22.3.
Variant type: single nucleotide variant.
Coding change: c.5763-13C>T on transcript NM_000051.4 (MANE Select); 13 bases into the intron before coding-DNA position 5763, C replaced by T.
Molecular consequence: intron variant.
Genome position (GRCh38, 1-based): chr11:108,310,147, C>T. VCF-style: chr11-108310147-C-T. GRCh37 (hg19) VCF-style: chr11-108180874-C-T.
Other names: c.5763-13C>T (NM_001351834.2); c.641-1076G>A (NM_001330368.2); c.*39-1076G>A (NM_001351110.2).
Identifiers: ClinVar variation 386630 (VCV000386630.49), dbSNP rs1057522554, ClinGen allele CA16606101.
Genomic context (GRCh38, chr11:108,310,147, plus strand): 5'-CTATATCAACATGCTTTTATTTTGATATTGAAGTTTAAAAAAGTGAATGACATTATATCT[C>T]ATTTTTCTTTAGACCTTCTTCAGGAACAATTTTTAATGATGCTTTCTGGCTGGATTTAAA-3'